The following is an entry in ClinVar:

ClinVar aggregate classification (germline): Uncertain significance (1 of 4 stars; one submission).

Allele frequency attached by ClinVar (database versions not stated): gnomAD 0.00001; TOPMed 0.00001.
gnomAD v4.1: 17 of 1,560,398 alleles (0.0011%); highest among the groups gnomAD compares: Non-Finnish European, 0.0014%; no homozygotes.

Submission:

Laboratory for Molecular Medicine, Mass General Brigham Personalized Medicine
Classification: Uncertain significance. Last evaluated: 2019-05-28. Review status: criteria provided, single submitter. Criteria: LMM Criteria. Collection method: clinical testing. Allele origin: germline. Observed: 1 variant allele.
Comment: The p.Leu2689Phe variant in CDH23 has not been previously reported in individuals with hearing loss or Usher syndrome and was absent from large population studies. Computational prediction tools and conservation analysis do not provide strong support for or against an impact of this missense change upon the protein. This variant is located in the first base of the exon, which is part of the 3â€™ splice region. Computational tools do not predict a splicing impact, though this information is not predictive enough to /rule out pathogenicity. In summary, the clinical significance of this variant is uncertain. ACMG/AMP Criteria applied: PM2.

NM_022124.6(CDH23):c.8065C>T (p.Leu2689Phe)

Gene: CDH23 (cadherin related 23; plus strand). Cytogenetic location: 10q22.1.
Variant type: single nucleotide variant.
Coding change: c.8065C>T on transcript NM_022124.6 (MANE Select); coding-DNA position 8065, C replaced by T.
Protein change: p.Leu2689Phe; replaces leucine 2689 with phenylalanine.
Molecular consequence: missense variant.
Genome position (GRCh38, 1-based): chr10:71,806,168, C>T. VCF-style: chr10-71806168-C-T. GRCh37 (hg19) VCF-style: chr10-73565925-C-T.
Other names: c.1345C>T, p.Leu449Phe (NM_001171933.1, NM_001171934.1); short protein forms L2689F, L449F.
Identifiers: ClinVar variation 930068 (VCV000930068.4), dbSNP rs759319741, ClinGen allele CA209474372.
Genomic context (GRCh38, chr10:71,806,168, plus strand): 5'-AGTCCCCAAGCCAATCCCCTCTCCCAGTCTTTTCCTCTGACTGTGCTCTTCCGCTCCTAG[C>T]TCATCTTGGTGGCCAGCGACCTGGGCCAGCCAGTGCCATACGAGACTATGCAGCCGCTGC-3'
Protein context (NP_071407.4, residues 2679-2699): LDRESQAVYS[Leu2689Phe]ILVASDLGQP